The following is an entry in ClinVar:

ClinVar aggregate classification (germline): Pathogenic. Review status: criteria provided, multiple submitters, no conflicts (2 of 4 stars). 3 submissions from 3 submitters: Pathogenic (2). 1 of the submissions does not count toward it. Last evaluated 2025-10-06.

Conditions:
PRPF8-related disorder. Also called: PRPF8-related condition.
Retinitis pigmentosa 13 (RP13). Also called: PRPF 8-Related Retinitis Pigmentosa. Identifiers: Orphanet 791, MedGen C1838702, MONDO:0010806, OMIM 600059.

Submissions (3):

Labcorp Genetics (formerly Invitae), Labcorp
Classification: Pathogenic. Last evaluated: 2025-10-06. Review status: criteria provided, single submitter. Criteria: Invitae Variant Classification Sherloc (09022015). Collection method: clinical testing. Allele origin: germline.
Comment: This sequence change replaces histidine, which is basic and polar, with arginine, which is basic and polar, at codon 2309 of the PRPF8 protein (p.His2309Arg). This variant is not present in population databases (gnomAD no frequency). This missense change has been observed in individual(s) with retinitis pigmentosa (PMID: 18695108). It has also been observed to segregate with disease in related individuals. ClinVar contains an entry for this variant (Variation ID: 3355). Invitae Evidence Modeling of protein sequence and biophysical properties (such as structural, functional, and spatial information, amino acid conservation, physicochemical variation, residue mobility, and thermodynamic stability) indicates that this missense variant is expected to disrupt PRPF8 protein function with a positive predictive value of 80%. Experimental studies have shown that this missense change affects PRPF8 function (PMID: 28515276). Algorithms developed to predict the effect of sequence changes on RNA splicing suggest that this variant may create or strengthen a splice site. For these reasons, this variant has been classified as Pathogenic.

Blueprint Genetics
Classification: Pathogenic for PRPF8-related disorders. Last evaluated: 2020-10-08. Review status: criteria provided, single submitter. Criteria: ACMG Guidelines, 2015. Collection method: clinical testing. Allele origin: germline. Affected: yes. Observed: 2 variant alleles.

OMIM
Classification: Pathogenic for RETINITIS PIGMENTOSA 13. Last evaluated: 2001-07-15. Review status: no assertion criteria provided. Collection method: literature only. Allele origin: germline. Not counted in ClinVar's aggregate classification.

Literature cited by the submitters: PubMed 18695108 (cited by Labcorp Genetics (formerly Invitae), Labcorp); PubMed 28515276 (cited by Labcorp Genetics (formerly Invitae), Labcorp); PubMed 11468273 (cited by OMIM).

NM_006445.4(PRPF8):c.6926A>G (p.His2309Arg)

Gene: PRPF8 (pre-mRNA processing factor 8; minus strand). Cytogenetic location: 17p13.3.
Variant type: single nucleotide variant.
Coding change: c.6926A>G on transcript NM_006445.4 (MANE Select); coding-DNA position 6926, A replaced by G.
Protein change: p.His2309Arg; replaces histidine 2309 with arginine.
Molecular consequence: missense variant.
Genome position (GRCh38, 1-based): chr17:1,650,884, T>C on the plus strand (A>G on the coding strand, the complement: PRPF8 is on the minus strand). VCF-style: chr17-1650884-T-C. GRCh37 (hg19) VCF-style: chr17-1554178-T-C.
Other names: short protein forms H2309R.
Identifiers: ClinVar variation 3355 (VCV000003355.8), dbSNP rs121434236, ClinGen allele CA252740.